The following is an entry in ClinVar:

ClinVar aggregate classification (germline): Conflicting classifications of pathogenicity. Review status: criteria provided, conflicting classifications (1 of 4 stars). 4 submissions from 4 submitters: Uncertain significance (2); Likely benign (1). 1 of the submissions does not count toward it. Last evaluated 2023-07-10.

Conditions:
Alport syndrome. Also called: Hemorrhagic familial nephritis; Hemorrhagic hereditary nephritis; Congenital hereditary hematuria. Identifiers: Orphanet 63, MedGen C1567741, MONDO:0018965.
Autosomal recessive Alport syndrome (ATS2). Also called: COL4A4 Alport Syndrome and Thin Basement Membrane Nephropathy; ALPORT SYNDROME 2, AUTOSOMAL RECESSIVE; Alport syndrome type 2; COL4A3-Related Nephropathy. Identifiers: Orphanet 63, Orphanet 88919, MedGen C4746745, MONDO:0008762, OMIM 203780.
Benign familial hematuria. Also called: thin basement membrane disease. Identifiers: MedGen C0241908, MONDO:0957317.

Allele frequency attached by ClinVar (database versions not stated): TOPMed 0.00002.
gnomAD v4.1: 25 of 1,613,984 alleles (0.0015%); highest among the groups gnomAD compares: Non-Finnish European, 0.0019%; no homozygotes.

Submissions (4):

Labcorp Genetics (formerly Invitae), Labcorp
Classification: Likely benign. Last evaluated: 2023-07-10. Review status: criteria provided, single submitter. Criteria: Invitae Variant Classification Sherloc (09022015). Collection method: clinical testing. Allele origin: germline.

GeneDx
Classification: Uncertain significance. Last evaluated: 2023-07-03. Review status: criteria provided, single submitter. Criteria: GeneDx Variant Classification Process June 2021. Collection method: clinical testing. Allele origin: germline. Affected: yes.
Comment: In silico analysis supports that this missense variant does not alter protein structure/function; Occurs in the triple helical domain at the X position in the canonical Gly-X-Y repeat; although this variant may have an effect on normal protein folding and function, missense substitution at the X position is not a common mechanism of disease; Has not been previously published as pathogenic or benign to our knowledge

Fulgent Genetics
Classification: Uncertain significance for Hematuria, benign familial, 1; Autosomal recessive Alport syndrome. Last evaluated: 2021-10-11. Review status: criteria provided, single submitter. Criteria: ACMG Guidelines, 2015. Collection method: clinical testing. Allele origin: unknown.

Natera, Inc.
Classification: Uncertain significance for Alport syndrome. Last evaluated: 2020-09-04. Review status: no assertion criteria provided. Collection method: clinical testing. Allele origin: germline. Not counted in ClinVar's aggregate classification.

NM_000092.5(COL4A4):c.232C>T (p.Pro78Ser)

Gene: COL4A4 (collagen type IV alpha 4 chain; minus strand). Cytogenetic location: 2q36.3.
Variant type: single nucleotide variant.
Coding change: c.232C>T on transcript NM_000092.5 (MANE Select); coding-DNA position 232, C replaced by T.
Protein change: p.Pro78Ser; replaces proline 78 with serine.
Molecular consequence: missense variant.
Genome position (GRCh38, 1-based): chr2:227,121,109, G>A on the plus strand (C>T on the coding strand, the complement: COL4A4 is on the minus strand). VCF-style: chr2-227121109-G-A. GRCh37 (hg19) VCF-style: chr2-227985825-G-A.
Other names: c.232C>T (NM_000092.4); short protein forms P78S.
Identifiers: ClinVar variation 990629 (VCV000990629.12), dbSNP rs762682812, ClinGen allele CA2145738.